The following is an entry in ClinVar:

ClinVar aggregate classification (germline): Likely pathogenic. Review status: criteria provided, multiple submitters, no conflicts (2 of 4 stars). 2 submissions from 2 submitters: Likely pathogenic (2). Last evaluated 2024-02-04.

Conditions:
Multiple acyl-CoA dehydrogenase deficiency (MADD). Also called: Glutaric Acidemia type 2; ETHYLMALONIC-ADIPICACIDURIA; GA II; Glutaric acidemia type II; GA 2; Glutaric aciduria, type 2. Identifiers: Orphanet 26791, MedGen C0268596, MONDO:0009282, OMIM 231680.

Allele frequency attached by ClinVar (database versions not stated): gnomAD exomes below 0.00001.
gnomAD v4.1: 3 of 1,604,752 alleles (0.00019%); highest among the groups gnomAD compares: South Asian, 0.0033%; no homozygotes.

Submissions (2):

Baylor Genetics
Classification: Likely pathogenic for Multiple acyl-CoA dehydrogenase deficiency. Last evaluated: 2024-02-04. Review status: criteria provided, single submitter. Criteria: ACMG Guidelines, 2015. Collection method: clinical testing. Allele origin: unknown.

Labcorp Genetics (formerly Invitae), Labcorp
Classification: Likely pathogenic for Multiple acyl-CoA dehydrogenase deficiency. Last evaluated: 2022-04-26. Review status: criteria provided, single submitter. Criteria: Invitae Variant Classification Sherloc (09022015). Collection method: clinical testing. Allele origin: germline.
Comment: This sequence change affects an acceptor splice site in intron 9 of the ETFDH gene. It is expected to disrupt RNA splicing. Variants that disrupt the donor or acceptor splice site typically lead to a loss of protein function (PMID: 16199547), and loss-of-function variants in ETFDH are known to be pathogenic (PMID: 16510302, 23785301). This variant is not present in population databases (gnomAD no frequency). This variant has not been reported in the literature in individuals affected with ETFDH-related conditions. ClinVar contains an entry for this variant (Variation ID: 838992). Algorithms developed to predict the effect of sequence changes on RNA splicing suggest that this variant may disrupt the consensus splice site. In summary, the currently available evidence indicates that the variant is pathogenic, but additional data are needed to prove that conclusively. Therefore, this variant has been classified as Likely Pathogenic.

Literature cited by the submitters: PubMed 16199547 (cited by Labcorp Genetics (formerly Invitae), Labcorp); PubMed 16510302 (cited by Labcorp Genetics (formerly Invitae), Labcorp); PubMed 23785301 (cited by Labcorp Genetics (formerly Invitae), Labcorp).

NM_004453.4(ETFDH):c.1117-1G>A

Gene: ETFDH (electron transfer flavoprotein dehydrogenase; plus strand). Cytogenetic location: 4q32.1.
Variant type: single nucleotide variant.
Coding change: c.1117-1G>A on transcript NM_004453.4 (MANE Select); the canonical splice acceptor site of the intron before coding-DNA position 1117, G replaced by A.
Molecular consequence: splice acceptor variant.
Genome position (GRCh38, 1-based): chr4:158,703,422, G>A. VCF-style: chr4-158703422-G-A. GRCh37 (hg19) VCF-style: chr4-159624574-G-A.
Other names: c.976-1G>A (NM_001281737.2); c.934-1G>A (NM_001281738.1).
Identifiers: ClinVar variation 838992 (VCV000838992.12), dbSNP rs1774518252, ClinGen allele CA358562669.